The following is an entry in ClinVar:

NM_001378778.1(MPDZ):c.3360-2A>G

Gene: MPDZ (multiple PDZ domain crumbs cell polarity complex component; minus strand). Cytogenetic location: 9p23.
Variant type: single nucleotide variant.
Coding change: c.3360-2A>G on transcript NM_001378778.1 (MANE Select); the canonical splice acceptor site of the intron before coding-DNA position 3360, A replaced by G.
Molecular consequence: splice acceptor variant. On other transcripts: intron variant (1).
Genome position (GRCh38, 1-based): chr9:13,158,112, T>C on the plus strand (A>G on the coding strand, the complement: MPDZ is on the minus strand). VCF-style: chr9-13158112-T-C. GRCh37 (hg19) VCF-style: chr9-13158111-T-C.
Other names: c.3360-2A>G (NM_001375425.1, NM_001375420.1, NM_001375419.1 and 13 more transcripts); c.3255-7424A>G (NM_001375427.1).
Identifiers: ClinVar variation 1029761 (VCV001029761.10), dbSNP rs1950043713, ClinGen allele CA372951526.
Genomic context (GRCh38, chr9:13,158,112, plus strand): 5'-TTTGAAGTTCGCTTTCTTCACCCTCTCCCTCTTCTCGCTCTGGTAATTCTGGAATGTCTC[T>C]GGTTAAAGAATTACACAATGAGTACCCCAAAATCCTAGTAAAAACATGCAAGATTATATG-3'

ClinVar aggregate classification (germline): Pathogenic/Likely pathogenic. Review status: criteria provided, multiple submitters, no conflicts (2 of 4 stars). 3 submissions from 3 submitters: Pathogenic (2); Likely pathogenic (1). Last evaluated 2024-01-01.

Conditions:
Hydrocephalus, nonsyndromic, autosomal recessive 2. Also called: Hydrocephalus, congenital, 2, with or without brain or eye anomalies. Identifiers: Orphanet 2185, MedGen C3554691, MONDO:0014085, OMIM 615219.

Allele frequency attached by ClinVar (database versions not stated): gnomAD exomes below 0.00001; TOPMed 0.00001.
gnomAD v4.1: 2 of 1,611,684 alleles (0.00012%); highest among the groups gnomAD compares: Non-Finnish European, 0.00017%; no homozygotes.

Submissions (3):

Daryl Scott Lab, Baylor College of Medicine
Classification: Pathogenic for Hydrocephalus, nonsyndromic, autosomal recessive 2. Last evaluated: 2024-01-01. Review status: criteria provided, single submitter. Criteria: ACMG Guidelines, 2015. Collection method: clinical testing. Allele origin: biparental. Affected: yes. Observed: 1 homozygote.
Comment: PVS1, PM2

Labcorp Genetics (formerly Invitae), Labcorp
Classification: Likely pathogenic. Last evaluated: 2022-08-31. Review status: criteria provided, single submitter. Criteria: Invitae Variant Classification Sherloc (09022015). Collection method: clinical testing. Allele origin: germline.
Comment: This variant is not present in population databases (gnomAD no frequency). In summary, the currently available evidence indicates that the variant is pathogenic, but additional data are needed to prove that conclusively. Therefore, this variant has been classified as Likely Pathogenic. Algorithms developed to predict the effect of sequence changes on RNA splicing suggest that this variant may disrupt the consensus splice site. ClinVar contains an entry for this variant (Variation ID: 1029761). This variant has not been reported in the literature in individuals affected with MPDZ-related conditions. This sequence change affects an acceptor splice site in intron 23 of the MPDZ gene. It is expected to disrupt RNA splicing. Variants that disrupt the donor or acceptor splice site typically lead to a loss of protein function (PMID: 16199547), and loss-of-function variants in MPDZ are known to be pathogenic (PMID: 23240096, 28556411).

Baylor Genetics
Classification: Pathogenic for Hydrocephalus, nonsyndromic, autosomal recessive 2. Last evaluated: 2019-11-08. Review status: criteria provided, single submitter. Criteria: ACMG Guidelines, 2015. Collection method: clinical testing. Allele origin: unknown. Affected: yes.
Comment: This variant was determined to be pathogenic according to ACMG Guidelines, 2015 [PMID:25741868].

Literature cited by the submitters: PubMed 16199547 (cited by Labcorp Genetics (formerly Invitae), Labcorp); PubMed 23240096 (cited by Labcorp Genetics (formerly Invitae), Labcorp); PubMed 28556411 (cited by Labcorp Genetics (formerly Invitae), Labcorp).